The following is an entry in ClinVar:

ClinVar aggregate classification (germline): Uncertain significance. Review status: criteria provided, multiple submitters, no conflicts (2 of 4 stars). 2 submissions from 2 submitters: Uncertain significance (2). Last evaluated 2025-12-22.

Conditions:
Inborn genetic diseases. Identifiers: MedGen C0950123, MeSH D030342.

Allele frequency attached by ClinVar (database versions not stated): gnomAD 0.00001; TOPMed 0.00002.
gnomAD v4.1: 10 of 1,610,904 alleles (0.00062%); highest among the groups gnomAD compares: Non-Finnish European, 0.00076%; no homozygotes.

Submissions (2):

Ambry Genetics
Classification: Uncertain significance for Inborn genetic diseases. Last evaluated: 2025-12-22. Review status: criteria provided, single submitter. Criteria: Ambry Variant Classification Scheme 2023. Collection method: clinical testing. Allele origin: germline.

Labcorp Genetics (formerly Invitae), Labcorp
Classification: Uncertain significance. Last evaluated: 2021-12-08. Review status: criteria provided, single submitter. Criteria: Invitae Variant Classification Sherloc (09022015). Collection method: clinical testing. Allele origin: germline.
Comment: This sequence change replaces asparagine, which is neutral and polar, with lysine, which is basic and polar, at codon 699 of the TBCK protein (p.Asn699Lys). This variant is present in population databases (rs759761980, gnomAD 0.002%). This variant has not been reported in the literature in individuals affected with TBCK-related conditions. Algorithms developed to predict the effect of missense changes on protein structure and function (SIFT, PolyPhen-2, Align-GVGD) all suggest that this variant is likely to be tolerated. In summary, the available evidence is currently insufficient to determine the role of this variant in disease. Therefore, it has been classified as a Variant of Uncertain Significance.

NM_001163435.3(TBCK):c.2097C>A (p.Asn699Lys)

Gene: TBCK (TBC1 domain containing kinase; minus strand). Cytogenetic location: 4q24.
Variant type: single nucleotide variant.
Coding change: c.2097C>A on transcript NM_001163435.3 (MANE Select); coding-DNA position 2097, C replaced by A.
Protein change: p.Asn699Lys; replaces asparagine 699 with lysine.
Molecular consequence: missense variant.
Genome position (GRCh38, 1-based): chr4:106,171,233, G>T on the plus strand (C>A on the coding strand, the complement: TBCK is on the minus strand). VCF-style: chr4-106171233-G-T. GRCh37 (hg19) VCF-style: chr4-107092390-G-T.
Other names: c.2097C>A, p.Asn699Lys (NM_001163436.4); c.1980C>A, p.Asn660Lys (NM_001163437.3); c.1581C>A, p.Asn527Lys (NM_001290768.2); c.1908C>A, p.Asn636Lys (NM_033115.5); c.2097C>A (NM_001163435.1); short protein forms N527K, N636K, N660K, N699K.
Identifiers: ClinVar variation 2111308 (VCV002111308.2), dbSNP rs759761980, ClinGen allele CA3034801.